The following is an entry in ClinVar:

ClinVar aggregate classification (germline): Uncertain significance. Review status: criteria provided, multiple submitters, no conflicts (2 of 4 stars). 2 submissions from 2 submitters: Uncertain significance (2). Last evaluated 2025-08-05.

Allele frequency attached by ClinVar (database versions not stated): gnomAD exomes below 0.00001; ExAC 0.00001.
gnomAD v4.1: 2 of 1,613,504 alleles (0.00012%); highest among the groups gnomAD compares: East Asian, 0.0045%; no homozygotes.

Submissions (2):

Labcorp Genetics (formerly Invitae), Labcorp
Classification: Uncertain significance. Last evaluated: 2025-08-05. Review status: criteria provided, single submitter. Criteria: Invitae Variant Classification Sherloc (09022015). Collection method: clinical testing. Allele origin: germline.
Comment: This sequence change replaces isoleucine, which is neutral and non-polar, with valine, which is neutral and non-polar, at codon 299 of the PCDH15 protein (p.Ile299Val). This variant is present in population databases (rs755925634, gnomAD 0.01%). This missense change has been observed in individual(s) with retinitis pigmentosa (PMID: 31054281). ClinVar contains an entry for this variant (Variation ID: 2691325). Invitae Evidence Modeling of protein sequence and biophysical properties (such as structural, functional, and spatial information, amino acid conservation, physicochemical variation, residue mobility, and thermodynamic stability) indicates that this missense variant is not expected to disrupt PCDH15 protein function with a negative predictive value of 95%. In summary, the available evidence is currently insufficient to determine the role of this variant in disease. Therefore, it has been classified as a Variant of Uncertain Significance.

Women's Health and Genetics/Laboratory Corporation of America, LabCorp
Classification: Uncertain significance. Last evaluated: 2023-12-18. Review status: criteria provided, single submitter. Criteria: LabCorp Variant Classification Summary - May 2015. Collection method: clinical testing. Allele origin: germline.
Comment: Variant summary: PCDH15 c.895A>G (p.Ile299Val) results in a conservative amino acid change located in the cadherin-like domain (IPR002126) of the encoded protein sequence. Five of five in-silico tools predict a benign effect of the variant on protein function. The variant allele was found at a frequency of 8e-06 in 251394 control chromosomes (gnomAD). The available data on variant occurrences in the general population are insufficient to allow any conclusion about variant significance. c.895A>G has been reported in the literature as an uninformative genotype (i.e. zygosity not specified) in at least one individual affected with Retinitis Pigmentosa (Gao_2019). This report does not provide unequivocal conclusions about association of the variant with Usher Syndrome Type 1F. To our knowledge, no experimental evidence demonstrating an impact on protein function has been reported. The following publication has been ascertained in the context of this evaluation (PMID: 31054281). No submitters have cited clinical-significance assessments for this variant to ClinVar after 2014. Based on the evidence outlined above, the variant was classified as uncertain significance.

Literature cited by the submitters: PubMed 31054281 (cited by Labcorp Genetics (formerly Invitae), Labcorp and Women's Health and Genetics/Laboratory Corporation of America, LabCorp).

NM_001384140.1(PCDH15):c.895A>G (p.Ile299Val)

Gene: PCDH15 (protocadherin related 15; minus strand). Cytogenetic location: 10q21.1.
Variant type: single nucleotide variant.
Coding change: c.895A>G on transcript NM_001384140.1 (MANE Select); coding-DNA position 895, A replaced by G.
Protein change: p.Ile299Val; replaces isoleucine 299 with valine.
Molecular consequence: missense variant.
Genome position (GRCh38, 1-based): chr10:54,236,913, T>C on the plus strand (A>G on the coding strand, the complement: PCDH15 is on the minus strand). VCF-style: chr10-54236913-T-C. GRCh37 (hg19) VCF-style: chr10-55996673-T-C.
Other names: c.910A>G, p.Ile304Val (NM_001142763.2, NM_001142769.4, NM_001142771.2); c.895A>G, p.Ile299Val (NM_001142764.2, NM_001142765.2, NM_001142766.2 and 7 more transcripts); c.784A>G, p.Ile262Val (NM_001142767.2); c.829A>G, p.Ile277Val (NM_001142768.2, NM_001142773.2, NM_001354404.2); short protein forms I262V, I277V, I299V, I304V.
Identifiers: ClinVar variation 2691325 (VCV002691325.2), dbSNP rs755925634, ClinGen allele CA5506548.